The following is an entry in ClinVar:

ClinVar aggregate classification (germline): Uncertain significance (1 of 4 stars; one submission).

Submission:

GeneDx
Classification: Uncertain significance. Last evaluated: 2023-01-21. Review status: criteria provided, single submitter. Criteria: GeneDx Variant Classification Process June 2021. Collection method: clinical testing. Allele origin: germline. Affected: yes.
Comment: Not observed at significant frequency in large population cohorts (gnomAD); In silico analysis supports that this missense variant does not alter protein structure/function; Has not been previously published as pathogenic or benign to our knowledge

NM_031407.7(HUWE1):c.8450A>G (p.Glu2817Gly)

Gene: HUWE1 (HECT, UBA and WWE domain containing E3 ubiquitin protein ligase 1; minus strand). Cytogenetic location: Xp11.22.
Variant type: single nucleotide variant.
Coding change: c.8450A>G on transcript NM_031407.7 (MANE Select); coding-DNA position 8450, A replaced by G.
Protein change: p.Glu2817Gly; replaces glutamic acid 2817 with glycine.
Molecular consequence: missense variant.
Genome position (GRCh38, 1-based): chrX:53,554,677, T>C on the plus strand (A>G on the coding strand, the complement: HUWE1 is on the minus strand). VCF-style: chrX-53554677-T-C. GRCh37 (hg19) VCF-style: chrX-53581638-T-C.
Other names: short protein forms E2817G.
Identifiers: ClinVar variation 2573973 (VCV002573973.1), dbSNP rs2523539293, ClinGen allele CA413148879.
Genomic context (GRCh38, chrX:53,554,677, plus strand): 5'-TTGAAATTCTACTCACTTATAGTGGGAGCTGGGGATAACTCCATCTGAGTTGTTTCTGCT[T>C]CCCCACTTGGCCTTGTGGGACCCAATTCCTCTGGCTCTACAGGCATCAATAGCTGTGTAG-3'
Protein context (NP_113584.3, residues 2807-2827): EELGPTRPSG[Glu2817Gly]AETTQMELSP